The following is an entry in ClinVar:

ClinVar aggregate classification (germline): Pathogenic (1 of 4 stars; one submission).

Conditions:
Hereditary cancer-predisposing syndrome. Also called: Neoplastic Syndromes, Hereditary; Tumor predisposition; Hereditary neoplastic syndrome; Hereditary Cancer Syndrome. Identifiers: Orphanet 140162, MedGen C0027672, MeSH D009386, MONDO:0015356.

Submission:

Ambry Genetics
Classification: Pathogenic for Hereditary cancer-predisposing syndrome. Last evaluated: 2026-08-24. Review status: criteria provided, single submitter. Criteria: Ambry Variant Classification Scheme 2023. Collection method: clinical testing. Allele origin: germline.
Comment: The c.2763_2766delTGATins24 pathogenic mutation, located in coding exon 17 of the ATM gene, results from the deletion of 4 nucleotides and insertion of 24 nucleotides (AATTCGGAGGAATACTTCAGAACA) causing a translational frameshift with a predicted alternate stop codon (p.D922Ifs*14). This variant is considered to be rare based on population cohorts in the Genome Aggregation Database (gnomAD). This alteration is expected to result in loss of function by premature protein truncation or nonsense-mediated mRNA decay. As such, this alteration is interpreted as a disease-causing mutation.

NM_000051.4(ATM):c.2763_2766delinsAATTCGGAGGAATACTTCAGAACA (p.Asp922fs)

Gene: ATM (ATM serine/threonine kinase; plus strand). Cytogenetic location: 11q22.3.
Variant type: Indel.
Coding change: c.2763_2766delinsAATTCGGAGGAATACTTCAGAACA on transcript NM_000051.4 (MANE Select); coding-DNA positions 2763 to 2766, TGAT replaced by AATTCGGAGGAATACTTCAGAACA.
Protein change: p.Asp922fs; shifts the reading frame from aspartic acid 922.
Molecular consequence: frameshift variant.
Genome position (GRCh38, 1-based): chr11:108,268,534-108,268,537, TGAT replaced by AATTCGGAGGAATACTTCAGAACA. VCF-style: chr11-108268534-TGAT-AATTCGGAGGAATACTTCAGAACA. GRCh37 (hg19) VCF-style: chr11-108139261-TGAT-AATTCGGAGGAATACTTCAGAACA.
Other names: c.2763_2766delinsAATTCGGAGGAATACTTCAGAACA, p.Asp922fs (NM_001351834.2); short protein forms D922fs.
Identifiers: ClinVar variation 5032061 (VCV005032061.1).